The following is an entry in ClinVar:

ClinVar aggregate classification (germline): Benign/Likely benign. Review status: criteria provided, multiple submitters, no conflicts (2 of 4 stars). 4 submissions from 4 submitters: Benign (1); Likely benign (3). Last evaluated 2026-09-23.

Conditions:
Cardiovascular phenotype. Identifiers: MedGen CN230736.
Hereditary cancer-predisposing syndrome. Also called: Hereditary neoplastic syndrome; Neoplastic Syndromes, Hereditary; Tumor predisposition; Hereditary Cancer Syndrome. Identifiers: Orphanet 140162, MedGen C0027672, MeSH D009386, MONDO:0015356.
Neurofibromatosis, type 1 (NF1). Also called: Neurofibromatosis, type I; Peripheral type neurofibromatosis; VON RECKLINGHAUSEN DISEASE; NEUROFIBROMATOSIS, TYPE I, SOMATIC. Identifiers: Orphanet 636, MedGen C0027831, MONDO:0018975, OMIM 162200. Disease mechanism: loss of function.

Allele frequency attached by ClinVar (database versions not stated): gnomAD exomes below 0.00001.
gnomAD v4.1: 2 of 1,613,980 alleles (0.00012%); highest among the groups gnomAD compares: Non-Finnish European, 0.00017%; no homozygotes.

Submissions (4):

Myriad Genetics, Inc.
Classification: Benign for Neurofibromatosis, type 1. Last evaluated: 2026-09-23. Review status: criteria provided, single submitter. Criteria: Myriad Autosomal Dominant, Autosomal Recessive and X-Linked Classification Criteria (2023). Collection method: clinical testing. Allele origin: unknown.
Comment: This variant is considered benign. This variant is a silent/synonymous amino acid change and it is not expected to impact splicing.

Labcorp Genetics (formerly Invitae), Labcorp
Classification: Likely benign for Neurofibromatosis, type 1. Last evaluated: 2025-10-22. Review status: criteria provided, single submitter. Criteria: Invitae Variant Classification Sherloc (09022015). Collection method: clinical testing. Allele origin: germline.

Genome-Nilou Lab
Classification: Likely benign for Neurofibromatosis, type 1. Last evaluated: 2022-03-15. Review status: criteria provided, single submitter. Criteria: ACMG Guidelines, 2015. Collection method: clinical testing. Allele origin: germline. Affected: no.

Ambry Genetics
Classification: Likely benign for Cardiovascular phenotype; Hereditary cancer-predisposing syndrome. Last evaluated: 2019-09-13. Review status: criteria provided, single submitter. Criteria: Ambry Variant Classification Scheme 2023. Collection method: clinical testing. Allele origin: germline.

NM_001042492.3(NF1):c.4512G>T (p.Val1504=)

Gene: NF1 (neurofibromin 1; plus strand). Cytogenetic location: 17q11.2.
Variant type: single nucleotide variant.
Coding change: c.4512G>T on transcript NM_001042492.3 (MANE Select); coding-DNA position 4512, G replaced by T.
Protein change: p.Val1504=; no amino-acid change (valine 1504 retained).
Molecular consequence: synonymous variant.
Genome position (GRCh38, 1-based): chr17:31,260,450, G>T. VCF-style: chr17-31260450-G-T. GRCh37 (hg19) VCF-style: chr17-29587468-G-T.
Other names: c.4449G>T, p.Val1483= (NM_000267.4).
Identifiers: ClinVar variation 745517 (VCV000745517.15), dbSNP rs1597747038, ClinGen allele CA499233691.